The following is an entry in ClinVar:

ClinVar aggregate classification (germline): Uncertain significance (1 of 4 stars; one submission).

Allele frequency attached by ClinVar (database versions not stated): gnomAD exomes below 0.00001.
gnomAD v4.1: 1 of 1,614,118 alleles (0.000062%); highest among the groups gnomAD compares: Non-Finnish European, 0.000085%; no homozygotes.

Submission:

Labcorp Genetics (formerly Invitae), Labcorp
Classification: Uncertain significance. Last evaluated: 2026-01-26. Review status: criteria provided, single submitter. Criteria: Invitae Variant Classification Sherloc (09022015). Collection method: clinical testing. Allele origin: germline.
Comment: This sequence change replaces alanine, which is neutral and non-polar, with threonine, which is neutral and polar, at codon 1150 of the POLE protein (p.Ala1150Thr). This variant is not present in population databases (gnomAD no frequency). This variant has not been reported in the literature in individuals affected with POLE-related conditions. ClinVar contains an entry for this variant (Variation ID: 1469310). Invitae Evidence Modeling of protein sequence and biophysical properties (such as structural, functional, and spatial information, amino acid conservation, physicochemical variation, residue mobility, and thermodynamic stability) has been performed for this missense variant. However, the output from this modeling did not meet the statistical confidence thresholds required to predict the impact of this variant on POLE protein function. In summary, the available evidence is currently insufficient to determine the role of this variant in disease. Therefore, it has been classified as a Variant of Uncertain Significance.

NM_006231.4(POLE):c.3448G>A (p.Ala1150Thr)

Gene: POLE (DNA polymerase epsilon, catalytic subunit; minus strand). Cytogenetic location: 12q24.33.
Variant type: single nucleotide variant.
Coding change: c.3448G>A on transcript NM_006231.4 (MANE Select); coding-DNA position 3448, G replaced by A.
Protein change: p.Ala1150Thr; replaces alanine 1150 with threonine.
Molecular consequence: missense variant.
Genome position (GRCh38, 1-based): chr12:132,657,360, C>T on the plus strand (G>A on the coding strand, the complement: POLE is on the minus strand). VCF-style: chr12-132657360-C-T. GRCh37 (hg19) VCF-style: chr12-133233946-C-T.
Other names: short protein forms A1150T.
Identifiers: ClinVar variation 1469310 (VCV001469310.8), dbSNP rs2138659152, ClinGen allele CA387388988.
Genomic context (GRCh38, chr12:132,657,360, plus strand): 5'-ACTGCACAGTTTTTAGCCCCACAGCCCGTGCCACTGACCCCGCCCTTACCTGCTGCAGGG[C>T]CGCAGGGATGGTGATGATCTTCTGGATGGCGCTTCCCAGCCGCTCAATGTAGTAGTCCCA-3'
Protein context (NP_006222.2, residues 1140-1160): AIQKIITIPA[Ala1150Thr]LQQVKNPVPR